The following is an entry in ClinVar:

NM_004990.4(MARS1):c.1571G>A (p.Gly524Asp)

Gene: MARS1 (methionyl-tRNA synthetase 1; plus strand). Cytogenetic location: 12q13.3.
Variant type: single nucleotide variant.
Coding change: c.1571G>A on transcript NM_004990.4 (MANE Select); coding-DNA position 1571, G replaced by A.
Protein change: p.Gly524Asp; replaces glycine 524 with aspartic acid.
Molecular consequence: missense variant.
Genome position (GRCh38, 1-based): chr12:57,512,039, G>A. VCF-style: chr12-57512039-G-A. GRCh37 (hg19) VCF-style: chr12-57905822-G-A.
Other names: short protein forms G524D.
Identifiers: ClinVar variation 3757091 (VCV003757091.2).
Genomic context (GRCh38, chr12:57,512,039, plus strand): 5'-TAACATGTTTACCTCCTTCTGACCTCCAGGTATTCTATGTCTGGTTTGATGCCACTATTG[G>A]CTATCTGTCCATCACAGCCAACTACACAGACCAGTGGGAGAGATGGTGGAAGAACCCAGA-3'
Protein context (NP_004981.2, residues 514-534): VFYVWFDATI[Gly524Asp]YLSITANYTD

ClinVar aggregate classification (germline): Uncertain significance (1 of 4 stars; one submission).

Conditions:
Severe early-onset pulmonary alveolar proteinosis due to MARS deficiency. Also called: Interstitial lung and liver disease; PULMONARY ALVEOLAR PROTEINOSIS, REUNION ISLAND. Identifiers: Orphanet 440427, MedGen C4225400, MONDO:0014206, OMIM 615486.
Charcot-Marie-Tooth disease axonal type 2U. Also called: CHARCOT-MARIE-TOOTH NEUROPATHY, TYPE 2U; CHARCOT-MARIE-TOOTH DISEASE, AXONAL, AUTOSOMAL DOMINANT, TYPE 2U. Identifiers: Orphanet 397735, MedGen C4084821, MONDO:0014566, OMIM 616280.

gnomAD v4.1: 1 of 1,614,016 alleles (0.000062%); highest among the groups gnomAD compares: Non-Finnish European, 0.000085%; no homozygotes.

Submission:

Labcorp Genetics (formerly Invitae), Labcorp
Classification: Uncertain significance for Charcot-Marie-Tooth disease axonal type 2U; Severe early-onset pulmonary alveolar proteinosis due to MARS deficiency. Last evaluated: 2024-07-01. Review status: criteria provided, single submitter. Criteria: Invitae Variant Classification Sherloc (09022015). Collection method: clinical testing. Allele origin: germline.
Comment: This sequence change replaces glycine, which is neutral and non-polar, with aspartic acid, which is acidic and polar, at codon 524 of the MARS protein (p.Gly524Asp). This variant is not present in population databases (gnomAD no frequency). This variant has not been reported in the literature in individuals affected with MARS-related conditions. An algorithm developed to predict the effect of missense changes on protein structure and function (PolyPhen-2) suggests that this variant is likely to be disruptive. In summary, the available evidence is currently insufficient to determine the role of this variant in disease. Therefore, it has been classified as a Variant of Uncertain Significance.